The following is an entry in ClinVar:

NM_017654.4(SAMD9):c.3885G>T (p.Lys1295Asn)

Gene: SAMD9 (sterile alpha motif domain containing 9; minus strand). Cytogenetic location: 7q21.2.
Variant type: single nucleotide variant.
Coding change: c.3885G>T on transcript NM_017654.4 (MANE Select); coding-DNA position 3885, G replaced by T.
Protein change: p.Lys1295Asn; replaces lysine 1295 with asparagine.
Molecular consequence: missense variant.
Genome position (GRCh38, 1-based): chr7:93,102,213, C>A on the plus strand (G>T on the coding strand, the complement: SAMD9 is on the minus strand). VCF-style: chr7-93102213-C-A. GRCh37 (hg19) VCF-style: chr7-92731526-C-A.
Other names: c.3885G>T, p.Lys1295Asn (NM_001193307.2); short protein forms K1295N.
Identifiers: ClinVar variation 2769589 (VCV002769589.3), dbSNP rs1490107074, ClinGen allele CA368181967.

ClinVar aggregate classification (germline): Uncertain significance (1 of 4 stars; one submission).

Submission:

Labcorp Genetics (formerly Invitae), Labcorp
Classification: Uncertain significance. Last evaluated: 2023-10-17. Review status: criteria provided, single submitter. Criteria: Invitae Variant Classification Sherloc (09022015). Collection method: clinical testing. Allele origin: germline.
Comment: This sequence change replaces lysine, which is basic and polar, with asparagine, which is neutral and polar, at codon 1295 of the SAMD9 protein (p.Lys1295Asn). This variant is present in population databases (no rsID available, gnomAD 0.007%). This variant has not been reported in the literature in individuals affected with SAMD9-related conditions. Advanced modeling of protein sequence and biophysical properties (such as structural, functional, and spatial information, amino acid conservation, physicochemical variation, residue mobility, and thermodynamic stability) performed at Invitae indicates that this missense variant is not expected to disrupt SAMD9 protein function. In summary, the available evidence is currently insufficient to determine the role of this variant in disease. Therefore, it has been classified as a Variant of Uncertain Significance.